The following is an entry in ClinVar:

NM_020822.3(KCNT1):c.3587+71C>T

Gene: KCNT1 (potassium sodium-activated channel subfamily T member 1; plus strand). Cytogenetic location: 9q34.3.
Variant type: single nucleotide variant.
Coding change: c.3587+71C>T on transcript NM_020822.3 (MANE Select); 71 bases into the intron after coding-DNA position 3587, C replaced by T.
Molecular consequence: intron variant.
Genome position (GRCh38, 1-based): chr9:135,791,952, C>T. VCF-style: chr9-135791952-C-T. GRCh37 (hg19) VCF-style: chr9-138683798-C-T.
Other names: c.3515+71C>T (NM_001272003.2).
Identifiers: ClinVar variation 682430 (VCV000682430.4), dbSNP rs41310949, ClinGen allele CA13060541.

ClinVar aggregate classification (germline): Benign. Review status: criteria provided, multiple submitters, no conflicts (2 of 4 stars). 3 submissions from 3 submitters: Benign (3). Last evaluated 2024-07-15.

Allele frequency attached by ClinVar (database versions not stated): 1000 Genomes Project 0.08946; 1000 Genomes Project 30x 0.09057; TOPMed 0.12303; gnomAD 0.12701 and 0.12756; gnomAD exomes 0.17036.
gnomAD v4.1: 266,383 of 1,609,844 alleles (17%); highest among the groups gnomAD compares: South Asian, 21%; 24,222 homozygotes.

Submissions (3):

Unidad de Genómica Garrahan, Hospital de Pediatría Garrahan
Classification: Benign. Last evaluated: 2024-07-15. Review status: criteria provided, single submitter. Criteria: ACMG Guidelines, 2015. Collection method: clinical testing. Allele origin: germline. Affected: no. Observed: 22 variant alleles.
Comment: This variant is classified as Benign based on local population frequency. This variant was detected in 24% of patients studied in a panel designed for Epileptic and Developmental Encephalopathy and Progressive Myoclonus Epilepsy. Number of patients: 22. Only high quality variants are reported.

GeneDx
Classification: Benign. Last evaluated: 2018-06-19. Review status: criteria provided, single submitter. Criteria: GeneDx Variant Classification (06012015). Collection method: clinical testing. Allele origin: germline. Affected: yes.
Comment: This variant is considered likely benign or benign based on one or more of the following criteria: it is a conservative change, it occurs at a poorly conserved position in the protein, it is predicted to be benign by multiple in silico algorithms, and/or has population frequency not consistent with disease.

Breakthrough Genomics
Classification: Benign. Review status: criteria provided, single submitter. Criteria: ACMG Guidelines, 2015. Collection method: not provided. Allele origin: germline. Inheritance: Autosomal dominant inheritance. Affected: yes.